The following is an entry in ClinVar:

ClinVar aggregate classification (germline): Pathogenic (1 of 4 stars; one submission).

Conditions:
Early-infantile DEE. Also called: Ohtahara syndrome; Early infantile epileptic encephalopathy; Early infantile epileptic encephalopathy with suppression bursts. Identifiers: Orphanet 1934, MedGen C0393706, MONDO:0800491.

Submission:

Labcorp Genetics (formerly Invitae), Labcorp
Classification: Pathogenic for Early-infantile DEE. Last evaluated: 2024-07-11. Review status: criteria provided, single submitter. Criteria: Invitae Variant Classification Sherloc (09022015). Collection method: clinical testing. Allele origin: germline.
Comment: This sequence change creates a premature translational stop signal (p.Ser511Alafs*18) in the KCNQ2 gene. It is expected to result in an absent or disrupted protein product. Loss-of-function variants in KCNQ2 are known to be pathogenic (PMID: 14534157, 23692823, 27779742). This variant is not present in population databases (gnomAD no frequency). This variant has not been reported in the literature in individuals affected with KCNQ2-related conditions. For these reasons, this variant has been classified as Pathogenic.

Literature cited by the submitters: PubMed 14534157; PubMed 23692823; PubMed 27779742.

NM_172107.4(KCNQ2):c.1531del (p.Ser511fs)

Gene: KCNQ2 (potassium voltage-gated channel subfamily Q member 2; minus strand). Cytogenetic location: 20q13.33.
Variant type: Deletion.
Coding change: c.1531del on transcript NM_172107.4 (MANE Select); coding-DNA position 1531, one base deleted (A; older notation c.1531delA).
Protein change: p.Ser511fs; shifts the reading frame from serine 511.
Molecular consequence: frameshift variant.
Genome position (GRCh38, 1-based): chr20:63,414,188, T deleted on the plus strand (A on the coding strand, the reverse complement: KCNQ2 is on the minus strand); the first of 2 consecutive T bases (chr20:63,414,188-63,414,189); deleting either gives the same sequence. VCF-style (leftmost placement, unchanged base first): chr20-63414187-CT-C. GRCh37 (hg19) VCF-style: chr20-62045540-CT-C.
Other names: c.1477del, p.Ser493fs (NM_001382235.1, NM_172106.3); c.1447del, p.Ser483fs (NM_004518.6); c.1438del, p.Ser480fs (NM_172108.5); short protein forms S483fs, S480fs, S493fs, S511fs.
Identifiers: ClinVar variation 3659250 (VCV003659250.2).